The following is an entry in ClinVar:

ClinVar aggregate classification (germline): Uncertain significance. Review status: criteria provided, multiple submitters, no conflicts (2 of 4 stars). 2 submissions from 2 submitters: Uncertain significance (2). Last evaluated 2023-11-24.

Allele frequency attached by ClinVar (database versions not stated): TOPMed below 0.00001.

Submissions (2):

Labcorp Genetics (formerly Invitae), Labcorp
Classification: Uncertain significance. Last evaluated: 2023-11-24. Review status: criteria provided, single submitter. Criteria: Invitae Variant Classification Sherloc (09022015). Collection method: clinical testing. Allele origin: germline.
Comment: This sequence change replaces lysine, which is basic and polar, with glutamic acid, which is acidic and polar, at codon 92 of the LBR protein (p.Lys92Glu). This variant is not present in population databases (gnomAD no frequency). This variant has not been reported in the literature in individuals affected with LBR-related conditions. ClinVar contains an entry for this variant (Variation ID: 1712213). Advanced modeling of protein sequence and biophysical properties (such as structural, functional, and spatial information, amino acid conservation, physicochemical variation, residue mobility, and thermodynamic stability) performed at Invitae indicates that this missense variant is not expected to disrupt LBR protein function with a negative predictive value of 95%. In summary, the available evidence is currently insufficient to determine the role of this variant in disease. Therefore, it has been classified as a Variant of Uncertain Significance.

GeneDx
Classification: Uncertain significance. Last evaluated: 2022-04-21. Review status: criteria provided, single submitter. Criteria: GeneDx Variant Classification Process June 2021. Collection method: clinical testing. Allele origin: germline. Affected: yes.
Comment: Not observed at significant frequency in large population cohorts (gnomAD); In silico analysis supports that this missense variant does not alter protein structure/function; Has not been previously published as pathogenic or benign to our knowledge

NM_002296.4(LBR):c.274A>G (p.Lys92Glu)

Gene: LBR (lamin B receptor; minus strand). Cytogenetic location: 1q42.12.
Variant type: single nucleotide variant.
Coding change: c.274A>G on transcript NM_002296.4 (MANE Select); coding-DNA position 274, A replaced by G.
Protein change: p.Lys92Glu; replaces lysine 92 with glutamic acid.
Molecular consequence: missense variant.
Genome position (GRCh38, 1-based): chr1:225,422,169, T>C on the plus strand (A>G on the coding strand, the complement: LBR is on the minus strand). VCF-style: chr1-225422169-T-C. GRCh37 (hg19) VCF-style: chr1-225609871-T-C.
Other names: c.274A>G, p.Lys92Glu (NM_194442.3); short protein forms K92E.
Identifiers: ClinVar variation 1712213 (VCV001712213.5), dbSNP rs1170157436, ClinGen allele CA345001331.
Genomic context (GRCh38, chr1:225,422,169, plus strand): 5'-CCCTCCTTGCTTCCTTAATGTCGGCCTGGTGGGAAGCAGAAGCAGATCGGCGGGCACTTT[T>C]AGGTGGTCGACCAGGGGATCGGGAGCGTGACCTTGATCGACTCCCTCGGCGTCTGGAAGG-3'
Protein context (NP_002287.2, residues 82-102): SRSRSPGRPP[Lys92Glu]SARRSASASH